The following is an entry in ClinVar:

ClinVar aggregate classification (germline): Uncertain significance (1 of 4 stars; one submission).

Submission:

Labcorp Genetics (formerly Invitae), Labcorp
Classification: Uncertain significance. Last evaluated: 2024-05-06. Review status: criteria provided, single submitter. Criteria: Invitae Variant Classification Sherloc (09022015). Collection method: clinical testing. Allele origin: germline.
Comment: This sequence change falls in intron 9 of the TTC37 gene. It does not directly change the encoded amino acid sequence of the TTC37 protein. This variant is not present in population databases (gnomAD no frequency). This variant has not been reported in the literature in individuals affected with TTC37-related conditions. ClinVar contains an entry for this variant (Variation ID: 2118604). Algorithms developed to predict the effect of sequence changes on RNA splicing suggest that this variant may disrupt the consensus splice site. In summary, the available evidence is currently insufficient to determine the role of this variant in disease. Therefore, it has been classified as a Variant of Uncertain Significance.

NM_014639.4(SKIC3):c.643-7T>A

Gene: SKIC3 (SKI3 subunit of superkiller complex; minus strand). Cytogenetic location: 5q15.
Variant type: single nucleotide variant.
Coding change: c.643-7T>A on transcript NM_014639.4 (MANE Select); 7 bases into the intron before coding-DNA position 643, T replaced by A.
Molecular consequence: intron variant.
Genome position (GRCh38, 1-based): chr5:95,536,932, A>T on the plus strand (T>A on the coding strand, the complement: SKIC3 is on the minus strand). VCF-style: chr5-95536932-A-T. GRCh37 (hg19) VCF-style: chr5-94872636-A-T.
Identifiers: ClinVar variation 2118604 (VCV002118604.3), dbSNP rs2530796431, ClinGen allele CA2580073813.